The following is an entry in ClinVar:

ClinVar aggregate classification (germline): Uncertain significance (1 of 4 stars; one submission).

Conditions:
Inborn genetic diseases. Identifiers: MedGen C0950123, MeSH D030342.

gnomAD v4.1: 1 of 1,614,088 alleles (0.000062%); highest among the groups gnomAD compares: Non-Finnish European, 0.000085%; no homozygotes.

Submission:

Ambry Genetics
Classification: Uncertain significance for Inborn genetic diseases. Last evaluated: 2025-09-25. Review status: criteria provided, single submitter. Criteria: Ambry Variant Classification Scheme 2023. Collection method: clinical testing. Allele origin: germline.
Comment: The p.D455A variant (also known as c.1364A>C), located in coding exon 6 of the SH2B3 gene, results from an A to C substitution at nucleotide position 1364. The aspartic acid at codon 455 is replaced by alanine, an amino acid with dissimilar properties. This amino acid position is conserved. In addition, this alteration is predicted to be tolerated by in silico analysis. Based on the available evidence, the clinical significance of this variant remains unclear.

NM_005475.3(SH2B3):c.1364A>C (p.Asp455Ala)

Gene: SH2B3 (SH2B adaptor protein 3; plus strand). Cytogenetic location: 12q24.12.
Variant type: single nucleotide variant.
Coding change: c.1364A>C on transcript NM_005475.3 (MANE Select); coding-DNA position 1364, A replaced by C.
Protein change: p.Asp455Ala; replaces aspartic acid 455 with alanine.
Molecular consequence: missense variant.
Genome position (GRCh38, 1-based): chr12:111,447,783, A>C. VCF-style: chr12-111447783-A-C. GRCh37 (hg19) VCF-style: chr12-111885587-A-C.
Other names: c.758A>C, p.Asp253Ala (NM_001291424.1); short protein forms D253A, D455A.
Identifiers: ClinVar variation 4630691 (VCV004630691.1).